The following is an entry in ClinVar:

NC_000023.10:g.(?_100499986)_(100662891_?)del

Genes: BTK (Bruton tyrosine kinase; minus strand), DRP2 (dystrophin related protein 2; plus strand), GLA (galactosidase alpha; minus strand), RPL36A (ribosomal protein L36a; plus strand), RPL36A-HNRNPH2 (RPL36A-HNRNPH2 readthrough; plus strand) and 2 more. Cytogenetic location: Xq22.1.
Variant type: Deletion.
Identifiers: ClinVar variation 2422510 (VCV002422510.10).

ClinVar aggregate classification (germline): Pathogenic (1 of 4 stars; one submission).

Conditions:
Fabry disease. Also called: Fabry's disease; ALPHA-GALACTOSIDASE A DEFICIENCY; ANDERSON-FABRY DISEASE; CERAMIDE TRIHEXOSIDASE DEFICIENCY; GLA DEFICIENCY; HEREDITARY DYSTOPIC LIPIDOSIS. Identifiers: Orphanet 324, MedGen C0002986, MONDO:0010526, OMIM 301500, HP:0001071. Disease mechanism: Fabry disease is due to inactivating mutations in the X-linked GLA gene resulting in deficiency of the enzyme Alpha Galactosidase-A., loss of function.

Submission:

Labcorp Genetics (formerly Invitae), Labcorp
Classification: Pathogenic for Fabry disease. Last evaluated: 2022-10-03. Review status: criteria provided, single submitter. Criteria: Invitae Variant Classification Sherloc (09022015). Collection method: clinical testing. Allele origin: germline.
Comment: A gross deletion of the genomic region encompassing the full coding sequence of the GLA gene has been identified. Loss-of-function variants in GLA are known to be pathogenic (PMID: 10666480, 12175777). The boundaries of this event are unknown as they extend beyond the assayed region for this gene and therefore may encompass additional genes. This variant has not been reported in the literature in individuals affected with GLA-related conditions. For these reasons, this variant has been classified as Pathogenic.

Literature cited by the submitters: PubMed 10666480; PubMed 12175777.